The following is an entry in ClinVar:

ClinVar aggregate classification (germline): Pathogenic (1 of 4 stars; one submission).

Conditions:
Hereditary spastic paraplegia 11. Also called: SPASTIC PARAPLEGIA, AUTOSOMAL RECESSIVE, COMPLICATED, WITH THIN CORPUS CALLOSUM; SPASTIC PARAPLEGIA, AUTOSOMAL RECESSIVE, WITH MENTAL IMPAIRMENT AND THIN CORPUS CALLOSUM; Spastic paraplegia, mental retardation and thin corpus callosum; Spastic Paraplegia 11; Nakamura Osame syndrome; Autosomal recessive hereditary spastic paraplegia, mental impairment, and thin corpus callosum. Identifiers: Orphanet 2822, MedGen C1858479, MONDO:0011445, OMIM 604360.

Submission:

Labcorp Genetics (formerly Invitae), Labcorp
Classification: Pathogenic for Hereditary spastic paraplegia 11. Last evaluated: 2023-12-11. Review status: criteria provided, single submitter. Criteria: Invitae Variant Classification Sherloc (09022015). Collection method: clinical testing. Allele origin: germline.
Comment: This sequence change creates a premature translational stop signal (p.Thr19Hisfs*76) in the SPG11 gene. It is expected to result in an absent or disrupted protein product. Loss-of-function variants in SPG11 are known to be pathogenic (PMID: 19105190, 20110243, 22154821, 26556829). This variant is present in population databases (rs762381405, gnomAD 0.003%). This variant has not been reported in the literature in individuals affected with SPG11-related conditions. ClinVar contains an entry for this variant (Variation ID: 1906326). For these reasons, this variant has been classified as Pathogenic.

Literature cited by the submitters: PubMed 19105190; PubMed 20110243; PubMed 22154821; PubMed 26556829.

NM_025137.4(SPG11):c.53dup (p.Thr19fs)

Gene: SPG11 (SPG11 vesicle trafficking associated, spatacsin; minus strand). Cytogenetic location: 15q21.1.
Variant type: Duplication.
Coding change: c.53dup on transcript NM_025137.4 (MANE Select); coding-DNA position 53, one base duplicated (G; older notation c.53dupG).
Protein change: p.Thr19fs; shifts the reading frame from threonine 19.
Molecular consequence: frameshift variant.
Genome position (GRCh38, 1-based): chr15:44,663,595, C duplicated on the plus strand (G on the coding strand, the reverse complement: SPG11 is on the minus strand); the first of 4 consecutive C bases (chr15:44,663,595-44,663,598); duplicating any one gives the same sequence. VCF-style (leftmost placement, unchanged base first): chr15-44663594-G-GC. GRCh37 (hg19) VCF-style: chr15-44955792-G-GC.
Other names: c.53dup, p.Thr19fs (NM_001160227.2); c.50dup, p.Thr19Hisfs (NM_001411132.1); short protein forms T19fs.
Identifiers: ClinVar variation 1906326 (VCV001906326.5), dbSNP rs762381405, ClinGen allele CA7535964.